The following is an entry in ClinVar:

ClinVar aggregate classification (germline): Uncertain significance (1 of 4 stars; one submission).

Submission:

GeneDx
Classification: Uncertain significance. Last evaluated: 2022-05-23. Review status: criteria provided, single submitter. Criteria: GeneDx Variant Classification Process June 2021. Collection method: clinical testing. Allele origin: germline. Affected: yes.
Comment: Not observed at significant frequency in large population cohorts (gnomAD); In silico analysis supports that this missense variant does not alter protein structure/function; Not located in the triple helical region, where the majority of pathogenic missense variants occur (HGMD); Has not been previously published as pathogenic or benign to our knowledge

NM_000090.4(COL3A1):c.3617C>T (p.Ala1206Val)

Gene: COL3A1 (collagen type III alpha 1 chain; plus strand). Cytogenetic location: 2q32.2.
Variant type: single nucleotide variant.
Coding change: c.3617C>T on transcript NM_000090.4 (MANE Select); coding-DNA position 3617, C replaced by T.
Protein change: p.Ala1206Val; replaces alanine 1206 with valine.
Molecular consequence: missense variant.
Genome position (GRCh38, 1-based): chr2:189,009,015, C>T. VCF-style: chr2-189009015-C-T. GRCh37 (hg19) VCF-style: chr2-189873741-C-T.
Other names: short protein forms A1206V.
Identifiers: ClinVar variation 1801037 (VCV001801037.1), dbSNP rs2469166033, ClinGen allele CA349846746.
Genomic context (GRCh38, chr2:189,009,015, plus strand): 5'-CTCCTGGACCTCCTGGTGCCCCTGGTCCTTGCTGTGGTGGTGTTGGAGCCGCTGCCATTG[C>T]TGGGATTGGAGGTGAAAAAGCTGGCGGTTTTGCCCCGTATTATGGAGATGAACCAATGGA-3'
Protein context (NP_000081.2, residues 1196-1216): CCGGVGAAAI[Ala1206Val]GIGGEKAGGF